The following is an entry in ClinVar:

NM_080632.3(UPF3B):c.711AGA[2] (p.Glu240del)

Gene: UPF3B (UPF3B regulator of nonsense mediated mRNA decay; minus strand). Cytogenetic location: Xq24.
Variant type: Microsatellite.
Coding change: c.711AGA[2] on transcript NM_080632.3 (MANE Select); two copies in a row of the 3-base unit AGA starting at c.711; the reference has three copies in a row; one copy, 3 bases deleted.
Protein change: p.Glu240del; deletes glutamic acid 240.
Molecular consequence: inframe deletion.
Genome position (GRCh38, 1-based): chrX:119,841,164-119,841,166, TCT deleted on the plus strand (AGA on the coding strand, the reverse complement: UPF3B is on the minus strand); deleting any 3 consecutive bases within chrX:119,841,164-119,841,173 gives the same sequence; the position shown is the placement nearest the transcript's 3' end. VCF-style (leftmost placement, unchanged base first): chrX-119841163-CTCT-C. GRCh37 (hg19) VCF-style: chrX-118975126-CTCT-C.
Other names: c.717_719delAGA (NM_023010.3); c.711AGA[2], p.Glu240del (NM_023010.4); short protein forms E240del.
Identifiers: ClinVar variation 917531 (VCV000917531.6), dbSNP rs2056156815, ClinGen allele CA645604802.

ClinVar aggregate classification (germline): Uncertain significance. Review status: criteria provided, multiple submitters, no conflicts (2 of 4 stars). 2 submissions from 2 submitters: Uncertain significance (2). Last evaluated 2025-12-17.

Conditions:
Intellectual developmental disorder, X-linked, syndromic 14. Also called: Syndromic X-linked intellectual disability 14. Identifiers: Orphanet 776, MedGen C1970822, MONDO:0010398, OMIM 300676.

Submissions (2):

Labcorp Genetics (formerly Invitae), Labcorp
Classification: Uncertain significance for Intellectual developmental disorder, X-linked, syndromic 14. Last evaluated: 2025-12-17. Review status: criteria provided, single submitter. Criteria: Invitae Variant Classification Sherloc (09022015). Collection method: clinical testing. Allele origin: germline.
Comment: This variant, c.717_719del, results in the deletion of 1 amino acid(s) of the UPF3B protein (p.Glu240del), but otherwise preserves the integrity of the reading frame. This variant is not present in population databases (gnomAD no frequency). This variant has not been reported in the literature in individuals affected with UPF3B-related conditions. Experimental studies and prediction algorithms are not available or were not evaluated, and the functional significance of this variant is currently unknown. In summary, the available evidence is currently insufficient to determine the role of this variant in disease. Therefore, it has been classified as a Variant of Uncertain Significance.

Institute of Human Genetics, University of Goettingen
Classification: Uncertain significance for Intellectual developmental disorder, X-linked, syndromic 14. Last evaluated: 2020-05-25. Review status: criteria provided, single submitter. Criteria: ACMG Guidelines, 2015. Collection method: clinical testing. Allele origin: maternal. Inheritance: X-linked recessive inheritance. Observed: 1 hemizygote.
Comment: The c.717_719delAGA UPF3B-variant (p.(Glu240del)) is not found in known databases (ExAC or gnomAD) and leads to a protein length change as a result of an in-frame deletion in a nonrepeat region. Because syndromic, UPF3B-associated X-linked mental retardation, type 14, is linked to a X-linked recessive inheritance pattern, and female carriers are usually clinically asymptomatic, the clinical relevance of the above mentioned variant cannot be conclusively assessed at present. ACMG criteria used for classification: PM2, PM4.